The following is an entry in ClinVar:

NM_014629.4(ARHGEF10):c.3358G>C (p.Asp1120His)

Gene: ARHGEF10 (Rho guanine nucleotide exchange factor 10; plus strand). Cytogenetic location: 8p23.3.
Variant type: single nucleotide variant.
Coding change: c.3358G>C on transcript NM_014629.4 (MANE Select); coding-DNA position 3358, G replaced by C.
Protein change: p.Asp1120His; replaces aspartic acid 1120 with histidine.
Molecular consequence: missense variant.
Genome position (GRCh38, 1-based): chr8:1,945,616, G>C. VCF-style: chr8-1945616-G-C. GRCh37 (hg19) VCF-style: chr8-1893782-G-C.
Other names: c.3244G>C, p.Asp1082His (NM_001308152.2); c.3358G>C, p.Asp1120His (NM_001308153.3); short protein forms D1082H, D1144H, D1120H.
Identifiers: ClinVar variation 2962013 (VCV002962013.3), dbSNP rs1387590090, ClinGen allele CA369956473.
Genomic context (GRCh38, chr8:1,945,616, plus strand): 5'-GCCTTCACCTCAGGGTCCACGCTCCGCCTTTTTCACACGGAAACTCTCAAGCACCTGCAG[G>C]ACATCAACATCGCCACCCCTGTTCACAACATGCTGCCAGGTAAGGGGACGGGACGGGGCC-3'
Protein context (NP_055444.2, residues 1110-1130): FHTETLKHLQ[Asp1120His]INIATPVHNM

ClinVar aggregate classification (germline): Uncertain significance (1 of 4 stars; one submission).

Allele frequency attached by ClinVar (database versions not stated): gnomAD 0.00001.
gnomAD v4.1: 11 of 1,614,102 alleles (0.00068%); highest among the groups gnomAD compares: Non-Finnish European, 0.00093%; no homozygotes.

Submission:

Labcorp Genetics (formerly Invitae), Labcorp
Classification: Uncertain significance. Last evaluated: 2024-01-21. Review status: criteria provided, single submitter. Criteria: Invitae Variant Classification Sherloc (09022015). Collection method: clinical testing. Allele origin: germline.
Comment: This sequence change replaces aspartic acid, which is acidic and polar, with histidine, which is basic and polar, at codon 1120 of the ARHGEF10 protein (p.Asp1120His). This variant is present in population databases (no rsID available, gnomAD 0.002%). This variant has not been reported in the literature in individuals affected with ARHGEF10-related conditions. Advanced modeling of protein sequence and biophysical properties (such as structural, functional, and spatial information, amino acid conservation, physicochemical variation, residue mobility, and thermodynamic stability) has been performed at Invitae for this missense variant, however the output from this modeling did not meet the statistical confidence thresholds required to predict the impact of this variant on ARHGEF10 protein function. In summary, the available evidence is currently insufficient to determine the role of this variant in disease. Therefore, it has been classified as a Variant of Uncertain Significance.